The following is an entry in ClinVar:

NM_001164665.2(KIAA1549):c.5441G>C (p.Gly1814Ala)

Gene: KIAA1549 (KIAA1549; minus strand). Cytogenetic location: 7q34.
Variant type: single nucleotide variant.
Coding change: c.5441G>C on transcript NM_001164665.2 (MANE Select); coding-DNA position 5441, G replaced by C.
Protein change: p.Gly1814Ala; replaces glycine 1814 with alanine.
Molecular consequence: missense variant.
Genome position (GRCh38, 1-based): chr7:138,844,328, C>G on the plus strand (G>C on the coding strand, the complement: KIAA1549 is on the minus strand). VCF-style: chr7-138844328-C-G. GRCh37 (hg19) VCF-style: chr7-138529073-C-G.
Other names: c.5441G>C, p.Gly1814Ala (NM_020910.3); short protein forms G1814A.
Identifiers: ClinVar variation 1448295 (VCV001448295.8), dbSNP rs773456867, ClinGen allele CA369388410.

ClinVar aggregate classification (germline): Uncertain significance (1 of 4 stars; one submission).

Submission:

Labcorp Genetics (formerly Invitae), Labcorp
Classification: Uncertain significance. Last evaluated: 2021-07-01. Review status: criteria provided, single submitter. Criteria: Invitae Variant Classification Sherloc (09022015). Collection method: clinical testing. Allele origin: germline.
Comment: This sequence change replaces glycine with alanine at codon 1814 of the KIAA1549 protein (p.Gly1814Ala). The glycine residue is highly conserved and there is a small physicochemical difference between glycine and alanine. This variant is not present in population databases (ExAC no frequency). This variant has not been reported in the literature in individuals affected with KIAA1549-related conditions. Algorithms developed to predict the effect of missense changes on protein structure and function (SIFT, PolyPhen-2, Align-GVGD) all suggest that this variant is likely to be disruptive. In summary, the available evidence is currently insufficient to determine the role of this variant in disease. Therefore, it has been classified as a Variant of Uncertain Significance.